The following is an entry in ClinVar:

NM_005592.4(MUSK):c.1360+1G>A

Gene: MUSK (muscle associated receptor tyrosine kinase; plus strand). Cytogenetic location: 9q31.3.
Variant type: single nucleotide variant.
Coding change: c.1360+1G>A on transcript NM_005592.4 (MANE Select); the canonical splice donor site of the intron after coding-DNA position 1360, G replaced by A.
Molecular consequence: splice donor variant.
Genome position (GRCh38, 1-based): chr9:110,775,964, G>A. VCF-style: chr9-110775964-G-A. GRCh37 (hg19) VCF-style: chr9-113538244-G-A.
Other names: c.1126+1G>A (NM_001166280.2); c.1096+1G>A (NM_001166281.2); c.124+1G>A (NM_001369398.1).
Identifiers: ClinVar variation 2933598 (VCV002933598.3), dbSNP rs2491098868, ClinGen allele CA374473428.
Genomic context (GRCh38, chr9:110,775,964, plus strand): 5'-GCAGCAAGCTTCCCAGCATGCATTGGGACCCCACGGCCTGTGCCAGACTGCCACATCTAG[G>A]TAACACAGAGTTCTCCCAAGACTTTGGAGGTTAAGAGAAATTTACTATTTTGAAGAAACT-3'

ClinVar aggregate classification (germline): Likely pathogenic (1 of 4 stars; one submission).

Conditions:
Fetal akinesia deformation sequence 1 (FADS1). Also called: Pena-Shokeir syndrome type I; Fetal akinesia sequence. Identifiers: Orphanet 994, MedGen C1276035, MONDO:0100101, OMIM 208150, HP:0001989.
Congenital myasthenic syndrome 9. Also called: Myasthenic syndrome, congenital, 9, associated with acetylcholine receptor deficiency. Identifiers: Orphanet 590, MedGen C4225368, MONDO:0014587, OMIM 616325.

Allele frequency attached by ClinVar (database versions not stated): gnomAD exomes below 0.00001.
gnomAD v4.1: 1 of 1,604,468 alleles (0.000062%); highest among the groups gnomAD compares: South Asian, 0.0011%; no homozygotes.

Submission:

Labcorp Genetics (formerly Invitae), Labcorp
Classification: Likely pathogenic for Congenital myasthenic syndrome 9; Fetal akinesia deformation sequence 1. Last evaluated: 2024-01-04. Review status: criteria provided, single submitter. Criteria: Invitae Variant Classification Sherloc (09022015). Collection method: clinical testing. Allele origin: germline.
Comment: This sequence change affects a donor splice site in intron 10 of the MUSK gene. It is expected to disrupt RNA splicing. Variants that disrupt the donor or acceptor splice site typically lead to a loss of protein function (PMID: 16199547), and loss-of-function variants in MUSK are known to be pathogenic (PMID: 8653786, 25612909, 25695962, 25900532). This variant is not present in population databases (gnomAD no frequency). This variant has not been reported in the literature in individuals affected with MUSK-related conditions. Algorithms developed to predict the effect of sequence changes on RNA splicing suggest that this variant may disrupt the consensus splice site. In summary, the currently available evidence indicates that the variant is pathogenic, but additional data are needed to prove that conclusively. Therefore, this variant has been classified as Likely Pathogenic.

Literature cited by the submitters: PubMed 16199547; PubMed 8653786; PubMed 25612909; PubMed 25695962; PubMed 25900532.